The following is an entry in ClinVar:

NM_001204.7(BMPR2):c.1125_1128+16del

Gene: BMPR2 (bone morphogenetic protein receptor type 2; plus strand). Cytogenetic location: 2q33.2.
Variant type: Deletion.
Coding change: c.1125_1128+16del on transcript NM_001204.7 (MANE Select); coding-DNA position 1125 through 16 bases into the intron after coding-DNA position 1128, 20 bases deleted (CGAGGTGAGTGTATACAAAA).
Molecular consequence: splice donor variant.
Genome position (GRCh38, 1-based): chr2:202,530,951-202,530,970, CGAGGTGAGTGTATACAAAA deleted. VCF-style (leftmost placement, unchanged base first): chr2-202530950-GCGAGGTGAGTGTATACAAAA-G. GRCh37 (hg19) VCF-style: chr2-203395673-GCGAGGTGAGTGTATACAAAA-G.
Other names: c.1125_1128+16del (LRG_712t1).
Identifiers: ClinVar variation 238628 (VCV000238628.9), dbSNP rs878854272, ClinGen allele CA10581912.

ClinVar aggregate classification (germline): Pathogenic. Review status: criteria provided, single submitter (1 of 4 stars). 2 submissions from 1 submitter: Pathogenic (2). Last evaluated 2015-11-19.

Conditions:
Primary pulmonary hypertension. Also called: Idiopathic pulmonary hypertension. Identifiers: MedGen C0152171.
Pulmonary hypertension, primary, 1 (PPH1). Also called: Pulmonary hypertension, familial primary, 1, with or without HHT. Identifiers: Orphanet 422, MedGen C4552070, MONDO:0024533, OMIM 178600.

Submissions (2):

Labcorp Genetics (formerly Invitae), Labcorp
Classification: Pathogenic for Primary pulmonary hypertension. Last evaluated: 2015-11-19. Review status: criteria provided, single submitter. Criteria: Invitae Variant Classification Sherloc (09022015). Collection method: clinical testing. Allele origin: germline.
Comment: This sequence change deletes the last 4 nucleotides from exon 8 and the first 16 nucleotides from intron 8 of the BMPR2 mRNA (c.1125_1128+16delCGAGGTGAGTGTATACAAAA), causing a frameshift at codon 375. This creates a premature translational stop signal (p.Ser375Argfs*13). This deletion also includes the donor splice site in intron 8. Skipping of exon 8 would also result in an absent or disrupted protein product. While this particular variant has not been reported in the literature, truncating variants in BMPR2 are known to be pathogenic (PMID: 16429395, 20534176). For these reasons, this variant has been classified as Pathogenic.

Labcorp Genetics (formerly Invitae), Labcorp
Classification: Pathogenic for Primary pulmonary hypertension. Last evaluated: 2015-11-19. Review status: criteria provided, single submitter. Criteria: Invitae Variant Classification Sherloc (09022015). Collection method: clinical testing. Allele origin: germline.
Comment: While this particular variant has not been reported in the literature, truncating variants in BMPR2 are known to be pathogenic (PMID: 16429395, 20534176). This sequence change deletes the last 4 nucleotides from exon 8 and the first 16 nucleotides from intron 8 of the BMPR2 mRNA (c.1125_1128+16delCGAGGTGAGTGTATACAAAA), causing a frameshift at codon 375. This creates a premature translational stop signal (p.Ser375Argfs*13). This deletion also includes the donor splice site in intron 8. Skipping of exon 8 would also result in an absent or disrupted protein product. For these reasons, this variant has been classified as Pathogenic.

Literature cited by the submitters: PubMed 16429395; PubMed 20534176.